The following is an entry in ClinVar:

ClinVar aggregate classification (germline): Likely pathogenic (1 of 4 stars; one submission).

Conditions:
Mucopolysaccharidosis, MPS-II (MPS2). Also called: Hunter Syndrome; IDURONATE 2-SULFATASE DEFICIENCY; Mucopolysaccharidosis Type II; Mucopolysaccharidosis type 2; Attenuated MPS (subtype; formerly known as mild MPS II); Severe MPS II. Identifiers: Orphanet 580, Orphanet 79388, MedGen C0026705, MONDO:0010674, OMIM 309900.

Submission:

Laboratory of Diagnosis and Therapy of Lysosomal Disorders, University of Padova
Classification: Likely pathogenic for Mucopolysaccharidosis, MPS-II. Last evaluated: 2024-06-07. Review status: criteria provided, single submitter. Criteria: ACMG Guidelines, 2015. Collection method: literature only. Allele origin: germline. Affected: yes. Observed: 3 variant alleles.
Comment: Absent from controls (or at low frequency) in gnomAD database (PM2_Moderate), Missense variant in a gene with a low rate of benign missense variation (PP2_Supporting), Multiple lines of computational evidence support a deleterious effect (PP3_Supporting), Patient’s phenotype or family history highly specific for the disease (PP4_Strong)

Classification method: ACMG Guidelines [PMID:25741868] with modifications

Literature cited by the submitters: PubMed 9660053; PubMed 27246110; PubMed 34670126.

NM_000202.8(IDS):c.265G>T (p.Val89Phe)

Gene: IDS (iduronate 2-sulfatase; minus strand). Cytogenetic location: Xq28.
Variant type: single nucleotide variant.
Coding change: c.265G>T on transcript NM_000202.8 (MANE Select); coding-DNA position 265, G replaced by T.
Protein change: p.Val89Phe; replaces valine 89 with phenylalanine.
Molecular consequence: missense variant. On other transcripts: non-coding transcript variant (1), intron variant (1).
Genome position (GRCh38, 1-based): chrX:149,503,465, C>A on the plus strand (G>T on the coding strand, the complement: IDS is on the minus strand). VCF-style: chrX-149503465-C-A. GRCh37 (hg19) VCF-style: chrX-148584995-C-A.
Other names: c.265G>T, p.Val89Phe (NM_006123.5); c.15-20G>T (NM_001166550.4); short protein forms V89F.
Identifiers: ClinVar variation 3255645 (VCV003255645.2).